The following is an entry in ClinVar:

NM_000540.3(RYR1):c.6656A>C (p.Glu2219Ala)

Gene: RYR1 (ryanodine receptor 1; plus strand). Cytogenetic location: 19q13.2.
Variant type: single nucleotide variant.
Coding change: c.6656A>C on transcript NM_000540.3 (MANE Select); coding-DNA position 6656, A replaced by C.
Protein change: p.Glu2219Ala; replaces glutamic acid 2219 with alanine.
Molecular consequence: missense variant.
Genome position (GRCh38, 1-based): chr19:38,496,322, A>C. VCF-style: chr19-38496322-A-C. GRCh37 (hg19) VCF-style: chr19-38986962-A-C.
Other names: c.6656A>C, p.Glu2219Ala (NM_001042723.2); short protein forms E2219A.
Identifiers: ClinVar variation 3072381 (VCV003072381.2), dbSNP rs2514287330, ClinGen allele CA405666125.

ClinVar aggregate classification (germline): Uncertain significance. Review status: criteria provided, multiple submitters, no conflicts (2 of 4 stars). 2 submissions from 2 submitters: Uncertain significance (2). Last evaluated 2026-07-06.

Conditions:
Malignant hyperthermia, susceptibility to, 1 (MHS1). Also called: Anesthesia related hyperthermia; Malignant hyperpyrexia; Fulminating hyperpyrexia; Pharmacogenic myopathy; RYR1-Related Malignant Hyperthermia Susceptibility; Malignant hyperthermia suceptibility 1. Identifiers: Orphanet 423, MedGen C2930980, MONDO:0007783, OMIM 145600.
Inborn genetic diseases. Identifiers: MedGen C0950123, MeSH D030342.

Submissions (2):

Ambry Genetics
Classification: Uncertain significance for Inborn genetic diseases. Last evaluated: 2026-07-06. Review status: criteria provided, single submitter. Criteria: Ambry Variant Classification Scheme 2023. Collection method: clinical testing. Allele origin: germline.
Comment: The p.E2219A variant (also known as c.6656A>C), located in coding exon 40 of the RYR1 gene, results from an A to C substitution at nucleotide position 6656. The glutamic acid at codon 2219 is replaced by alanine, an amino acid with dissimilar properties. This amino acid position is conserved. In addition, the in silico prediction for this alteration is inconclusive. Based on the available evidence, the clinical significance of this variant remains unclear.

All of Us Research Program, National Institutes of Health
Classification: Uncertain significance for Malignant hyperthermia, susceptibility to, 1. Last evaluated: 2023-08-08. Review status: criteria provided, single submitter. Criteria: ACMG Guidelines, 2015. Collection method: clinical testing. Allele origin: germline. Inheritance: Autosomal dominant inheritance. Observed: 2 variant alleles, 2 heterozygotes.
Comment: This missense variant replaces glutamic acid with alanine at codon 2219 of the RYR1 protein. Computational prediction is inconclusive regarding the impact of this variant on protein structure and function (internally defined REVEL score threshold 0.5 < inconclusive < 0.7, PMID: 27666373). To our knowledge, functional studies have not been reported for this variant. This variant has not been reported in individuals affected with RYR1-related disorders in the literature. This variant has not been identified in the general population by the Genome Aggregation Database (gnomAD). The available evidence is insufficient to determine the role of this variant in disease conclusively. Therefore, this variant is classified as a Variant of Uncertain Significance.

This study involves interpretation of variants in research participants for the purpose of population health screening. Participant phenotype was not available at the time of variant classification. Additional details can be found in publication PMID: 35346344, PMCID: PMC8962531